The following is an entry in ClinVar:

ClinVar aggregate classification (germline): Uncertain significance (1 of 4 stars; one submission).

Submission:

GeneDx
Classification: Uncertain significance. Last evaluated: 2024-08-22. Review status: criteria provided, single submitter. Criteria: GeneDx Variant Classification Process June 2021. Collection method: clinical testing. Allele origin: germline. Affected: yes.
Comment: Not observed at significant frequency in large population cohorts (gnomAD); In silico analysis indicates that this missense variant does not alter protein structure/function; Has not been previously published as pathogenic or benign to our knowledge

NM_001038603.3(MARVELD2):c.1268T>A (p.Leu423Gln)

Gene: MARVELD2 (MARVEL domain containing 2; plus strand). Cytogenetic location: 5q13.2.
Variant type: single nucleotide variant.
Coding change: c.1268T>A on transcript NM_001038603.3 (MANE Select); coding-DNA position 1268, T replaced by A.
Protein change: p.Leu423Gln; replaces leucine 423 with glutamine.
Molecular consequence: missense variant.
Genome position (GRCh38, 1-based): chr5:69,432,612, T>A. VCF-style: chr5-69432612-T-A. GRCh37 (hg19) VCF-style: chr5-68728439-T-A.
Other names: c.1232T>A, p.Leu411Gln (NM_001244734.2); short protein forms L411Q, L423Q.
Identifiers: ClinVar variation 3764423 (VCV003764423.1).